The following is an entry in ClinVar:

NM_000152.5(GAA):c.1636+210G>A

Gene: GAA (alpha glucosidase; plus strand). Cytogenetic location: 17q25.3.
Variant type: single nucleotide variant.
Coding change: c.1636+210G>A on transcript NM_000152.5 (MANE Select); 210 bases into the intron after coding-DNA position 1636, G replaced by A.
Molecular consequence: intron variant.
Genome position (GRCh38, 1-based): chr17:80,111,235, G>A. VCF-style: chr17-80111235-G-A. GRCh37 (hg19) VCF-style: chr17-78085034-G-A.
Other names: c.1636+210G>A (NM_001079803.3, NM_001079804.3).
Identifiers: ClinVar variation 670523 (VCV000670523.2), dbSNP rs79487884, ClinGen allele CA14478729.

ClinVar aggregate classification (germline): Benign. Review status: criteria provided, multiple submitters, no conflicts (2 of 4 stars). 2 submissions from 2 submitters: Benign (2). Last evaluated 2026-07-01.

Conditions:
Glycogen storage disease, type II (IOPD). Also called: Pompe Disease; CARDIOMEGALIA GLYCOGENICA DIFFUSA; GLYCOGENOSIS, GENERALIZED, CARDIAC FORM; GSD II; POMPE DISEASE, INFANTILE-ONSET; GLYCOGEN STORAGE DISEASE II, INFANTILE-ONSET. Identifiers: Orphanet 365, MedGen C0017921, MONDO:0009290, OMIM 232300.

Allele frequency attached by ClinVar (database versions not stated): TOPMed 0.03953; gnomAD 0.04008 and 0.04368; 1000 Genomes Project 30x 0.07527; 1000 Genomes Project 0.07827.
gnomAD v4.1: 6,630 of 152,302 alleles (4.4%); highest among the groups gnomAD compares: East Asian, 24%; 307 homozygotes.

Submissions (2):

Genomenon, Inc
Classification: Benign for Glycogen storage disease, type II. Last evaluated: 2026-07-01. Review status: criteria provided, single submitter. Criteria: Genomenon Sequence Variant Interpretation Standards - Updated. Collection method: curation. Allele origin: germline. Affected: no.
Comment: GAA c.1636+210G>A is an intronic variant located in intron 11. This variant is present at high allele frequency in population databases. We classify GAA c.1636+210G>A as a benign variant.

GeneDx
Classification: Benign. Last evaluated: 2018-06-19. Review status: criteria provided, single submitter. Criteria: GeneDx Variant Classification (06012015). Collection method: clinical testing. Allele origin: germline. Affected: yes.
Comment: This variant is considered likely benign or benign based on one or more of the following criteria: it is a conservative change, it occurs at a poorly conserved position in the protein, it is predicted to be benign by multiple in silico algorithms, and/or has population frequency not consistent with disease.